The following is an entry in ClinVar:

ClinVar aggregate classification (germline): Pathogenic. Review status: criteria provided, multiple submitters, no conflicts (2 of 4 stars). 9 submissions from 9 submitters: Pathogenic (8). 1 of the submissions does not count toward it. Last evaluated 2026-06-26.

Conditions:
ABCB11-related disorder. Also called: ABCB11-related condition.
Familial intrahepatic cholestasis. Identifiers: Orphanet 284385, MedGen CN296401, MONDO:0017290.
Benign recurrent intrahepatic cholestasis type 2 (BRIC2). Also called: Recurrent familial intrahepatic cholestasis 2. Identifiers: Orphanet 65682, Orphanet 99961, MedGen C2608083, MONDO:0011559, OMIM 605479.
Progressive familial intrahepatic cholestasis type 2. Identifiers: Orphanet 79304, MedGen C3489789, MONDO:0011156, OMIM 601847.

Allele frequency attached by ClinVar (database versions not stated): TOPMed below 0.00001; gnomAD 0.00001; gnomAD exomes 0.00001 and 0.00002; ExAC 0.00003.
gnomAD v4.1: 17 of 1,591,590 alleles (0.0011%); highest among the groups gnomAD compares: South Asian, 0.0046%; no homozygotes.

Submissions (9):

PreventionGenetics, part of Exact Sciences
Classification: Pathogenic for ABCB11-related condition. Last evaluated: 2026-06-26. Review status: criteria provided, single submitter. Criteria: ACMG Guidelines, 2015. Collection method: clinical testing. Allele origin: germline.
Comment: The ABCB11 c.3169C>T variant is predicted to result in premature protein termination (p.Arg1057*). This variant has been reported in patients with progressive familial intrahepatic cholestasis (Strautnieks et al. 1998. PubMed ID: 9806540; Jansen et al. 1999. PubMed ID: 10579978; Wang et al. 2016. PubMed ID: 27050426; Fig.3, Dröge et al. 2017. PubMed ID: 28733223). Other nonsense variants upstream and downstream of this variant have been reported in patients with ABCB11-related disease (Human Gene Mutation Database). This variant is reported in 0.0075% of alleles in individuals of South Asian descent in gnomAD. Based on the available evidence, this variant is interpreted as pathogenic.

Genomenon, Inc
Classification: Pathogenic for Familial intrahepatic cholestasis. Last evaluated: 2026-04-14. Review status: criteria provided, single submitter. Criteria: Genomenon Sequence Variant Interpretation Standards - Updated. Collection method: curation. Allele origin: germline. Affected: yes.
Comment: ABCB11 p.Arg1057Ter (c.3169C>T) is a nonsense variant that introduces a premature stop codon at amino acid position 1057, creating a truncated protein that is predicted to undergo nonsense-mediated mRNA decay. This variant has been observed in at least one proband with an ABCB11-related disorder (PMID:35780807;33215027;32808743;32597698;32433800;28733223;10579978;9806540;27050426). At least one functional study has demonstrated a substantial alteration in protein function relative to the wild-type (PMID:17947449). It is absent or not present at a significant frequency in gnomAD. In conclusion, we classify ABCB11 p.Arg1057Ter (c.3169C>T) as a pathogenic variant.

Natera, Inc.
Classification: Pathogenic for Progressive familial intrahepatic cholestasis type 2. Last evaluated: 2025-09-23. Review status: criteria provided, single submitter. Criteria: Natera Variant Classification Schema (03/2026). Collection method: clinical testing. Allele origin: germline.
Comment: The c.3169C>T variant in ABCB11 is a nonsense variant predicted to introduce a stop codon at amino acid 1057. This variant is expected to result in nonsense mediated decay, truncation, or a dysfunctional protein product. This variant is rare in the general population with a frequency below the threshold expected for the associated phenotype(s). This variant has been observed in one or more individuals affected with the associated recessive disease, as either homozygous or compound heterozygous with a second variant (PMID: 32808743). Given the available evidence, this variant is classified as Pathogenic.

GeneDx
Classification: Pathogenic. Last evaluated: 2025-01-30. Review status: criteria provided, single submitter. Criteria: GeneDx Variant Classification Process June 2021. Collection method: clinical testing. Allele origin: germline. Affected: yes.
Comment: Nonsense variant predicted to result in protein truncation or nonsense mediated decay in a gene for which loss of function is a known mechanism of disease; This variant is associated with the following publications: (PMID: 25525159, 28733223, 32702170, 36142670, 9806540, 36995996, 32597698, 32808743, 32309332, 29412511, 27050426, 36964972)

Labcorp Genetics (formerly Invitae), Labcorp
Classification: Pathogenic. Last evaluated: 2024-02-01. Review status: criteria provided, single submitter. Criteria: Invitae Variant Classification Sherloc (09022015). Collection method: clinical testing. Allele origin: germline.
Comment: This sequence change creates a premature translational stop signal (p.Arg1057*) in the ABCB11 gene. It is expected to result in an absent or disrupted protein product. Loss-of-function variants in ABCB11 are known to be pathogenic (PMID: 18395098, 20232290). This variant is present in population databases (rs72549397, gnomAD 0.008%). This premature translational stop signal has been observed in individual(s) with ABCB11-related disorders (PMID: 9806540, 27050426). ClinVar contains an entry for this variant (Variation ID: 6596). For these reasons, this variant has been classified as Pathogenic.

Baylor Genetics
Classification: Pathogenic for Benign recurrent intrahepatic cholestasis type 2. Last evaluated: 2023-09-12. Review status: criteria provided, single submitter. Criteria: ACMG Guidelines, 2015. Collection method: clinical testing. Allele origin: unknown.

Blueprint Genetics
Classification: Pathogenic for ABCB11-related disorders. Last evaluated: 2023-09-04. Review status: criteria provided, single submitter. Criteria: ACMG Guidelines, 2015. Collection method: clinical testing. Allele origin: germline. Affected: yes. Observed: 2 variant alleles.

Eurofins Ntd Llc (ga)
Classification: Pathogenic. Last evaluated: 2018-08-16. Review status: criteria provided, single submitter. Criteria: EGL ClinVar v180209 classification definitions. Collection method: clinical testing. Allele origin: germline. Observed: 2 variant alleles, 2 heterozygotes.

OMIM
Classification: Pathogenic for CHOLESTASIS, PROGRESSIVE FAMILIAL INTRAHEPATIC, 2. Last evaluated: 1999-12-01. Review status: no assertion criteria provided. Collection method: literature only. Allele origin: germline. Not counted in ClinVar's aggregate classification.

Literature cited by the submitters: PubMed 35780807 (cited by Genomenon, Inc); PubMed 33215027 (cited by Genomenon, Inc); PubMed 32808743 (cited by Genomenon, Inc and Natera, Inc.); PubMed 32597698 (cited by Genomenon, Inc); PubMed 32433800 (cited by Genomenon, Inc); PubMed 28733223 (cited by Genomenon, Inc); PubMed 10579978 (cited by Genomenon, Inc and OMIM); PubMed 9806540 (cited by Genomenon, Inc and Labcorp Genetics (formerly Invitae), Labcorp); PubMed 27050426 (cited by Genomenon, Inc and Labcorp Genetics (formerly Invitae), Labcorp); PubMed 17947449 (cited by Genomenon, Inc); PubMed 18395098 (cited by Labcorp Genetics (formerly Invitae), Labcorp); PubMed 20232290 (cited by Labcorp Genetics (formerly Invitae), Labcorp).

NM_003742.4(ABCB11):c.3169C>T (p.Arg1057Ter)

Gene: ABCB11 (ATP binding cassette subfamily B member 11; minus strand). Cytogenetic location: 2q31.1.
Variant type: single nucleotide variant.
Coding change: c.3169C>T on transcript NM_003742.4 (MANE Select); coding-DNA position 3169, C replaced by T.
Protein change: p.Arg1057Ter; replaces arginine 1057 with a stop codon.
Molecular consequence: nonsense.
Genome position (GRCh38, 1-based): chr2:168,932,421, G>A on the plus strand (C>T on the coding strand, the complement: ABCB11 is on the minus strand). VCF-style: chr2-168932421-G-A. GRCh37 (hg19) VCF-style: chr2-169788931-G-A.
Other names: c.3169C>T, p.Arg1057Ter (LRG_1199t1); short protein forms R1057*.
Identifiers: ClinVar variation 6596 (VCV000006596.18), dbSNP rs72549397, ClinGen allele CA253881.